The following is an entry in ClinVar:

NM_000308.4(CTSA):c.468C>T (p.Ala156=)

Gene: CTSA (cathepsin A; plus strand). Cytogenetic location: 20q13.12.
Variant type: single nucleotide variant.
Coding change: c.468C>T on transcript NM_000308.4 (MANE Select); coding-DNA position 468, C replaced by T.
Protein change: p.Ala156=; no amino-acid change (alanine 156 retained).
Molecular consequence: synonymous variant. On other transcripts: non-coding transcript variant (1).
Genome position (GRCh38, 1-based): chr20:45,892,748, C>T. VCF-style: chr20-45892748-C-T. GRCh37 (hg19) VCF-style: chr20-44521387-C-T.
Other names: c.468C>T, p.Ala156= (NM_001127695.3); c.417C>T, p.Ala139= (NM_001167594.3); c.522C>T (NM_000308.3).
Identifiers: ClinVar variation 338529 (VCV000338529.13), dbSNP rs190565374, ClinGen allele CA9883054.

ClinVar aggregate classification (germline): Benign/Likely benign. Review status: criteria provided, multiple submitters, no conflicts (2 of 4 stars). 3 submissions from 3 submitters: Benign (1); Likely benign (1). 1 of the submissions does not count toward it. Last evaluated 2026-01-20.

Conditions:
Combined deficiency of sialidase AND beta galactosidase (GSL). Also called: CATHEPSIN A DEFICIENCY; GOLDBERG SYNDROME; NEURAMINIDASE DEFICIENCY WITH BETA-GALACTOSIDASE DEFICIENCY; NEURAMINIDASE/BETA-GALACTOSIDASE EXPRESSION; PPCA DEFICIENCY; PROTECTIVE PROTEIN/CATHEPSIN A DEFICIENCY. Identifiers: Orphanet 351, MedGen C0268233, MONDO:0009737, OMIM 256540.
CTSA-related disorder. Also called: CTSA-related condition.

Allele frequency attached by ClinVar (database versions not stated): gnomAD exomes 0.00008 and 0.00035; gnomAD 0.00012 and 0.00013; TOPMed 0.00026; 1000 Genomes Project 30x 0.00031; ExAC 0.00034; 1000 Genomes Project 0.00040.
gnomAD v4.1: 134 of 1,614,198 alleles (0.0083%); highest among the groups gnomAD compares: East Asian, 0.27%; no homozygotes.

Submissions (3):

Labcorp Genetics (formerly Invitae), Labcorp
Classification: Benign for Combined deficiency of sialidase AND beta galactosidase. Last evaluated: 2026-01-20. Review status: criteria provided, single submitter. Criteria: Invitae Variant Classification Sherloc (09022015). Collection method: clinical testing. Allele origin: germline.

Illumina Laboratory Services, Illumina
Classification: Likely benign for Combined deficiency of sialidase AND beta galactosidase. Last evaluated: 2018-01-13. Review status: criteria provided, single submitter. Criteria: ICSL Variant Classification Criteria 13 December 2019. Collection method: clinical testing. Allele origin: germline.
Comment: This variant was observed in the ICSL laboratory as part of a predisposition screen in an ostensibly healthy population. It had not been previously curated by ICSL or reported in the Human Gene Mutation Database (HGMD: prior to June 1st, 2018), and was therefore a candidate for classification through an automated scoring system. Utilizing variant allele frequency, disease prevalence and penetrance estimates, and inheritance mode, an automated score was calculated to assess if this variant is too frequent to cause the disease. Based on the score and internal cut-off values, a variant classified as likely benign is not then subjected to further curation. The score for this variant resulted in a classification of likely benign for this disease.

PreventionGenetics, part of Exact Sciences
Classification: Likely benign for CTSA-related condition. Last evaluated: 2024-07-30. Review status: no assertion criteria provided. Collection method: clinical testing. Allele origin: germline. Not counted in ClinVar's aggregate classification.
Comment: This variant is classified as likely benign based on ACMG/AMP sequence variant interpretation guidelines (Richards et al. 2015 PMID: 25741868, with internal and published modifications).